The following is an entry in ClinVar:

NM_001042681.2(RERE):c.1162del (p.Val388fs)

Gene: RERE (arginine-glutamic acid dipeptide repeats; minus strand). Cytogenetic location: 1p36.23.
Variant type: Deletion.
Coding change: c.1162del on transcript NM_001042681.2 (MANE Select); coding-DNA position 1162, one base deleted (G; older notation c.1162delG).
Protein change: p.Val388fs; shifts the reading frame from valine 388.
Molecular consequence: frameshift variant.
Genome position (GRCh38, 1-based): chr1:8,465,966, C deleted on the plus strand (G on the coding strand, the reverse complement: RERE is on the minus strand). VCF-style (leftmost placement, unchanged base first): chr1-8465965-AC-A. GRCh37 (hg19) VCF-style: chr1-8526025-AC-A.
Other names: c.1162del, p.Val388fs (NM_012102.4); short protein forms V388fs.
Identifiers: ClinVar variation 3349462 (VCV003349462.1).

ClinVar aggregate classification (germline): Uncertain significance (0 of 4 stars; one submission).

Conditions:
RERE-related disorder. Also called: RERE-Related Disorders; RERE-related condition. Identifiers: MedGen CN381537.

Submission:

PreventionGenetics, part of Exact Sciences
Classification: Uncertain significance for RERE-related condition. Last evaluated: 2024-04-05. Review status: no assertion criteria provided. Collection method: clinical testing. Allele origin: germline.
Comment: The RERE c.1162delG variant is predicted to result in a frameshift and premature protein termination (p.Val388Cysfs*14). To our knowledge, this variant has not been reported in the literature or in a large population database, indicating this variant is rare. Although we suspect that this variant may be pathogenic, at this time, the clinical significance of this variant is uncertain due to the absence of conclusive functional and genetic evidence.